The following is an entry in ClinVar:

NM_006765.4(TUSC3):c.557C>T (p.Thr186Met)

Gene: TUSC3 (tumor suppressor candidate 3; plus strand). Cytogenetic location: 8p22.
Variant type: single nucleotide variant.
Coding change: c.557C>T on transcript NM_006765.4 (MANE Select); coding-DNA position 557, C replaced by T.
Protein change: p.Thr186Met; replaces threonine 186 with methionine.
Molecular consequence: missense variant.
Genome position (GRCh38, 1-based): chr8:15,659,637, C>T. VCF-style: chr8-15659637-C-T. GRCh37 (hg19) VCF-style: chr8-15517146-C-T.
Other names: c.557C>T, p.Thr186Met (NM_001356429.2, NM_178234.2); short protein forms T186M.
Identifiers: ClinVar variation 937295 (VCV000937295.7), dbSNP rs768790010, ClinGen allele CA4640468.
Genomic context (GRCh38, chr8:15,659,637, plus strand): 5'-TTGACCTCCAAAGAATTGGATTTGCAGCTGAGCAACTAGCAAAGTGGATTGCTGACAGAA[C>T]GGATGTTCATGTATGTTTTTATTCCTCACAGTTTTAATAATAGGCTGGTTAGTTTGTTTT-3'
Protein context (NP_006756.2, residues 176-196): EQLAKWIADR[Thr186Met]DVHIRVFRPP

ClinVar aggregate classification (germline): Uncertain significance (1 of 4 stars; one submission).

Conditions:
Intellectual developmental disorder, autosomal recessive 7. Also called: Intellectual disability, autosomal recessive 7. Identifiers: Orphanet 88616, MedGen C1970197, MONDO:0012615, OMIM 611093.

Allele frequency attached by ClinVar (database versions not stated): gnomAD exomes 0.00003 and 0.00002; ExAC 0.00002; TOPMed 0.00002; gnomAD 0.00004 and 0.00003.
gnomAD v4.1: 29 of 1,612,656 alleles (0.0018%); highest among the groups gnomAD compares: Admixed American, 0.0083%; no homozygotes.

Submission:

Labcorp Genetics (formerly Invitae), Labcorp
Classification: Uncertain significance for Intellectual developmental disorder, autosomal recessive 7. Last evaluated: 2023-07-17. Review status: criteria provided, single submitter. Criteria: Invitae Variant Classification Sherloc (09022015). Collection method: clinical testing. Allele origin: germline.
Comment: In summary, the available evidence is currently insufficient to determine the role of this variant in disease. Therefore, it has been classified as a Variant of Uncertain Significance. An algorithm developed to predict the effect of missense changes on protein structure and function (PolyPhen-2) suggests that this variant is likely to be disruptive. ClinVar contains an entry for this variant (Variation ID: 937295). This variant has not been reported in the literature in individuals affected with TUSC3-related conditions. This variant is present in population databases (rs768790010, gnomAD 0.01%). This sequence change replaces threonine, which is neutral and polar, with methionine, which is neutral and non-polar, at codon 186 of the TUSC3 protein (p.Thr186Met).